The following is an entry in ClinVar:

ClinVar aggregate classification (germline): Likely pathogenic (1 of 4 stars; one submission).

Submission:

Labcorp Genetics (formerly Invitae), Labcorp
Classification: Likely pathogenic. Last evaluated: 2022-02-04. Review status: criteria provided, single submitter. Criteria: Invitae Variant Classification Sherloc (09022015). Collection method: clinical testing. Allele origin: germline.
Comment: In summary, the currently available evidence indicates that the variant is pathogenic, but additional data are needed to prove that conclusively. Therefore, this variant has been classified as Likely Pathogenic. Algorithms developed to predict the effect of sequence changes on RNA splicing suggest that this variant may disrupt the consensus splice site. ClinVar contains an entry for this variant (Variation ID: 941231). This variant has not been reported in the literature in individuals affected with MYO7A-related conditions. This variant is not present in population databases (gnomAD no frequency). This sequence change affects an acceptor splice site in intron 34 of the MYO7A gene. It is expected to disrupt RNA splicing. Variants that disrupt the donor or acceptor splice site typically lead to a loss of protein function (PMID: 16199547), and loss-of-function variants in MYO7A are known to be pathogenic (PMID: 8900236, 25404053).

Literature cited by the submitters: PubMed 16199547; PubMed 8900236; PubMed 25404053.

NM_000260.4(MYO7A):c.4569-2A>C

Gene: MYO7A (myosin VIIA; plus strand). Cytogenetic location: 11q13.5.
Variant type: single nucleotide variant.
Coding change: c.4569-2A>C on transcript NM_000260.4 (MANE Select); the canonical splice acceptor site of the intron before coding-DNA position 4569, A replaced by C.
Molecular consequence: splice acceptor variant. On other transcripts: intron variant (2).
Genome position (GRCh38, 1-based): chr11:77,199,533, A>C. VCF-style: chr11-77199533-A-C. GRCh37 (hg19) VCF-style: chr11-76910578-A-C.
Other names: c.4536-116A>C (NM_001369365.1); c.4569-116A>C (NM_001127180.2).
Identifiers: ClinVar variation 941231 (VCV000941231.8), dbSNP rs1956912294, ClinGen allele CA381950480.